The following is an entry in ClinVar:

ClinVar aggregate classification (germline): Uncertain significance (1 of 4 stars; one submission).

Submission:

Dasa
Classification: Uncertain significance. Last evaluated: 2025-08-10. Review status: criteria provided, single submitter. Criteria: DASA Assertion Criteria. Collection method: clinical testing. Allele origin: germline.
Comment: NM_000384.3(APOB):c.2242C>A (p.Gln748Lys) is a missense variant that results in the substitution of glutamine with lysine. This variant is absent from population databases. Computational prediction algorithms are consistent with a deleterious effect. The currently available literature and clinical evidence are not sufficient to establish a definitive association between this variant and the reported condition. Therefore, this variant is classified as a variant of uncertain significance.

NM_000384.3(APOB):c.2242C>A (p.Gln748Lys)

Gene: APOB (apolipoprotein B; minus strand). Cytogenetic location: 2p24.1.
Variant type: single nucleotide variant.
Coding change: c.2242C>A on transcript NM_000384.3 (MANE Select); coding-DNA position 2242, C replaced by A.
Protein change: p.Gln748Lys; replaces glutamine 748 with lysine.
Molecular consequence: missense variant.
Genome position (GRCh38, 1-based): chr2:21,026,790, G>T on the plus strand (C>A on the coding strand, the complement: APOB is on the minus strand). VCF-style: chr2-21026790-G-T. GRCh37 (hg19) VCF-style: chr2-21249662-G-T.
Other names: short protein forms Q748K.
Identifiers: ClinVar variation 4885367 (VCV004885367.2).
Genomic context (GRCh38, chr2:21,026,790, plus strand): 5'-ATTGTTTTTGCATTGAGACCCAAAGCTTTCCTTAAGAAGATACTTCACAAATACACACCT[G>T]CTCATGTTTATCATCTTTGGTATAGCCAAAGTGGTCCACTAAGACCTTAGAGACACCATC-3'
Protein context (NP_000375.3, residues 738-758): FGYTKDDKHE[Gln748Lys]DMVNGIMLSV